The following is an entry in ClinVar:

ClinVar aggregate classification (germline): Uncertain significance (1 of 4 stars; one submission).

Conditions:
Hereditary pancreatitis (PCTT). Also called: Hereditary chronic pancreatitis; PRSS1-Related Hereditary Pancreatitis. Identifiers: Orphanet 676, MedGen C0238339, MONDO:0008185, OMIM 167800.

Allele frequency attached by ClinVar (database versions not stated): gnomAD exomes below 0.00001.
gnomAD v4.1: 3 of 1,614,154 alleles (0.00019%); highest among the groups gnomAD compares: Non-Finnish European, 0.00025%; no homozygotes.

Submission:

Ambry Genetics
Classification: Uncertain significance for Hereditary pancreatitis. Last evaluated: 2023-11-11. Review status: criteria provided, single submitter. Criteria: Ambry Variant Classification Scheme 2023. Collection method: clinical testing. Allele origin: germline.
Comment: The p.N244H variant (also known as c.730A>C), located in coding exon 7 of the CTRC gene, results from an A to C substitution at nucleotide position 730. The asparagine at codon 244 is replaced by histidine, an amino acid with similar properties. This amino acid position is conserved. In addition, the in silico prediction for this alteration is inconclusive. Since supporting evidence is limited at this time, the clinical significance of this alteration remains unclear.

NM_007272.3(CTRC):c.730A>C (p.Asn244His)

Gene: CTRC (chymotrypsin C; plus strand). Cytogenetic location: 1p36.21.
Variant type: single nucleotide variant.
Coding change: c.730A>C on transcript NM_007272.3 (MANE Select); coding-DNA position 730, A replaced by C.
Protein change: p.Asn244His; replaces asparagine 244 with histidine.
Molecular consequence: missense variant.
Genome position (GRCh38, 1-based): chr1:15,445,687, A>C. VCF-style: chr1-15445687-A-C. GRCh37 (hg19) VCF-style: chr1-15772182-A-C.
Other names: short protein forms N244H.
Identifiers: ClinVar variation 3226088 (VCV003226088.1), dbSNP rs1570786662, ClinGen allele CA338567857.